The following is an entry in ClinVar:

NM_002519.3(NPAT):c.3448G>T (p.Val1150Phe)

Gene: NPAT (nuclear protein, coactivator of histone transcription; minus strand). Cytogenetic location: 11q22.3.
Variant type: single nucleotide variant.
Coding change: c.3448G>T on transcript NM_002519.3 (MANE Select); coding-DNA position 3448, G replaced by T.
Protein change: p.Val1150Phe; replaces valine 1150 with phenylalanine.
Molecular consequence: missense variant.
Genome position (GRCh38, 1-based): chr11:108,161,638, C>A on the plus strand (G>T on the coding strand, the complement: NPAT is on the minus strand). VCF-style: chr11-108161638-C-A. GRCh37 (hg19) VCF-style: chr11-108032365-C-A.
Other names: c.3469G>T, p.Val1157Phe (NM_001321307.1); short protein forms V1157F, V1150F.
Identifiers: ClinVar variation 2453780 (VCV002453780.2), dbSNP rs2077851062, ClinGen allele CA382510787.

ClinVar aggregate classification (germline): Uncertain significance (1 of 4 stars; one submission).

Allele frequency attached by ClinVar (database versions not stated): TOPMed below 0.00001.

Submission:

Ambry Genetics
Classification: Uncertain significance. Last evaluated: 2023-01-21. Review status: criteria provided, single submitter. Criteria: Ambry Variant Classification Scheme 2023. Collection method: clinical testing. Allele origin: germline.
Comment: The p.V1150F variant (also known as c.3448G>T), located in coding exon 17 of the NPAT gene, results from a G to T substitution at nucleotide position 3448. The valine at codon 1150 is replaced by phenylalanine, an amino acid with highly similar properties. This amino acid position is conserved. In addition, this alteration is predicted to be tolerated by in silico analysis. Since supporting evidence is limited at this time, the clinical significance of this alteration remains unclear.